The following is an entry in ClinVar:

NM_020987.5(ANK3):c.13035A>C (p.Glu4345Asp)

Gene: ANK3 (ankyrin 3; minus strand). Cytogenetic location: 10q21.2.
Variant type: single nucleotide variant.
Coding change: c.13035A>C on transcript NM_020987.5 (MANE Select); coding-DNA position 13035, A replaced by C.
Protein change: p.Glu4345Asp; replaces glutamic acid 4345 with aspartic acid.
Molecular consequence: missense variant.
Genome position (GRCh38, 1-based): chr10:60,055,688, T>G on the plus strand (A>C on the coding strand, the complement: ANK3 is on the minus strand). VCF-style: chr10-60055688-T-G. GRCh37 (hg19) VCF-style: chr10-61815446-T-G.
Other names: c.2907A>C, p.Glu969Asp (NM_001149.4); c.5487A>C, p.Glu1829Asp (NM_001204403.2); c.5508A>C, p.Glu1836Asp (NM_001204404.2); c.5505A>C, p.Glu1835Asp (NM_001320874.2); short protein forms E969D, E1836D, E1829D, E1835D, E4345D.
Identifiers: ClinVar variation 4779579 (VCV004779579.1).

ClinVar aggregate classification (germline): Uncertain significance (1 of 4 stars; one submission).

Submission:

Labcorp Genetics (formerly Invitae), Labcorp
Classification: Uncertain significance. Last evaluated: 2025-09-04. Review status: criteria provided, single submitter. Criteria: Invitae Variant Classification Sherloc (09022015). Collection method: clinical testing. Allele origin: germline.
Comment: This sequence change replaces glutamic acid, which is acidic and polar, with aspartic acid, which is acidic and polar, at codon 4345 of the ANK3 protein (p.Glu4345Asp). This variant is not present in population databases (gnomAD no frequency). This variant has not been reported in the literature in individuals affected with ANK3-related conditions. Invitae Evidence Modeling of protein sequence and biophysical properties (such as structural, functional, and spatial information, amino acid conservation, physicochemical variation, residue mobility, and thermodynamic stability) indicates that this missense variant is not expected to disrupt ANK3 protein function with a negative predictive value of 80%. In summary, the available evidence is currently insufficient to determine the role of this variant in disease. Therefore, it has been classified as a Variant of Uncertain Significance.